The following is an entry in ClinVar:

NM_001378418.1(TCF20):c.3805C>T (p.Gln1269Ter)

Gene: TCF20 (transcription factor 20; minus strand). Cytogenetic location: 22q13.2.
Variant type: single nucleotide variant.
Coding change: c.3805C>T on transcript NM_001378418.1 (MANE Select); coding-DNA position 3805, C replaced by T.
Protein change: p.Gln1269Ter; replaces glutamine 1269 with a stop codon.
Molecular consequence: nonsense.
Genome position (GRCh38, 1-based): chr22:42,211,501, G>A on the plus strand (C>T on the coding strand, the complement: TCF20 is on the minus strand). VCF-style: chr22-42211501-G-A. GRCh37 (hg19) VCF-style: chr22-42607507-G-A.
Other names: c.3805C>T, p.Gln1269Ter (NM_005650.4, NM_181492.3); short protein forms Q1269*.
Identifiers: ClinVar variation 3378014 (VCV003378014.3).

ClinVar aggregate classification (germline): Pathogenic. Review status: criteria provided, multiple submitters, no conflicts (2 of 4 stars). 2 submissions from 2 submitters: Pathogenic (2). Last evaluated 2024-05-09.

Conditions:
Developmental delay with variable intellectual impairment and behavioral abnormalities. Identifiers: MedGen C5193092, MONDO:0032745, OMIM 618430.

Submissions (2):

GeneDx
Classification: Pathogenic. Last evaluated: 2024-05-09. Review status: criteria provided, single submitter. Criteria: GeneDx Variant Classification Process June 2021. Collection method: clinical testing. Allele origin: germline. Affected: yes.
Comment: Nonsense variant predicted to result in protein truncation or nonsense mediated decay in a gene for which loss of function is a known mechanism of disease; Not observed at significant frequency in large population cohorts (gnomAD); This variant is associated with the following publications: (PMID: 30819258)

Juno Genomics, Hangzhou Juno Genomics, Inc
Classification: Pathogenic for Developmental delay with variable intellectual impairment and behavioral abnormalities. Review status: criteria provided, single submitter. Criteria: ACMG Guidelines, 2015. Collection method: clinical testing. Allele origin: germline.
Comment: Absent from controls (or at extremely low frequency if recessive) in Genome Aggregation Database.;Null variant in a gene where loss of function (LOF) is a known mechanism of disease.;Assumed de novo, but without confirmation of paternity and maternity.